The following is an entry in ClinVar:

ClinVar aggregate classification (germline): Uncertain significance. Review status: criteria provided, multiple submitters, no conflicts (2 of 4 stars). 2 submissions from 2 submitters: Uncertain significance (2). Last evaluated 2024-10-24.

Allele frequency attached by ClinVar (database versions not stated): gnomAD exomes below 0.00001; TOPMed below 0.00001; gnomAD 0.00001.
gnomAD v4.1: 6 of 1,613,942 alleles (0.00037%); highest among the groups gnomAD compares: Admixed American, 0.0017%; no homozygotes.

Submissions (2):

Labcorp Genetics (formerly Invitae), Labcorp
Classification: Uncertain significance. Last evaluated: 2024-10-24. Review status: criteria provided, single submitter. Criteria: Invitae Variant Classification Sherloc (09022015). Collection method: clinical testing. Allele origin: germline.
Comment: This sequence change replaces threonine, which is neutral and polar, with methionine, which is neutral and non-polar, at codon 127 of the CLTC protein (p.Thr127Met). This variant is present in population databases (no rsID available, gnomAD 0.003%). This variant has not been reported in the literature in individuals affected with CLTC-related conditions. ClinVar contains an entry for this variant (Variation ID: 1331669). Invitae Evidence Modeling of protein sequence and biophysical properties (such as structural, functional, and spatial information, amino acid conservation, physicochemical variation, residue mobility, and thermodynamic stability) indicates that this missense variant is expected to disrupt CLTC protein function with a positive predictive value of 80%. In summary, the available evidence is currently insufficient to determine the role of this variant in disease. Therefore, it has been classified as a Variant of Uncertain Significance.

Greenwood Genetic Center Diagnostic Laboratories, Greenwood Genetic Center
Classification: Uncertain significance. Last evaluated: 2021-01-28. Review status: criteria provided, single submitter. Criteria: ACMG Guidelines, 2015. Collection method: clinical testing. Allele origin: germline. Affected: yes.
Comment: PM1

NM_004859.4(CLTC):c.368C>T (p.Thr123Met)

Gene: CLTC (clathrin heavy chain; plus strand). Cytogenetic location: 17q23.1.
Variant type: single nucleotide variant.
Coding change: c.368C>T on transcript NM_004859.4 (MANE Select); coding-DNA position 368, C replaced by T.
Protein change: p.Thr123Met; replaces threonine 123 with methionine.
Molecular consequence: missense variant.
Genome position (GRCh38, 1-based): chr17:59,647,515, C>T. VCF-style: chr17-59647515-C-T. GRCh37 (hg19) VCF-style: chr17-57724876-C-T.
Other names: c.380C>T, p.Thr127Met (NM_001288653.2); short protein forms T123M, T127M.
Identifiers: ClinVar variation 1331669 (VCV001331669.11), dbSNP rs1347364344, ClinGen allele CA400419927.